The following is an entry in ClinVar:

NM_000479.5(AMH):c.864C>G (p.Asp288Glu)

Gene: AMH (anti-Mullerian hormone; plus strand). Cytogenetic location: 19p13.3.
Variant type: single nucleotide variant.
Coding change: c.864C>G on transcript NM_000479.5 (MANE Select); coding-DNA position 864, C replaced by G.
Protein change: p.Asp288Glu; replaces aspartic acid 288 with glutamic acid.
Molecular consequence: missense variant.
Genome position (GRCh38, 1-based): chr19:2,251,138, C>G. VCF-style: chr19-2251138-C-G. GRCh37 (hg19) VCF-style: chr19-2251137-C-G.
Other names: c.864C>G (NM_000479.4); short protein forms D288E.
Identifiers: ClinVar variation 1115487 (VCV001115487.40), dbSNP rs199831511, ClinGen allele CA9063004.

ClinVar aggregate classification (germline): Conflicting classifications of pathogenicity. Review status: criteria provided, conflicting classifications (1 of 4 stars). 4 submissions from 4 submitters: Uncertain significance (1); Likely benign (3). Last evaluated 2025-10-03.

Conditions:
AMH-related disorder. Also called: AMH-related condition.
Persistent Mullerian duct syndrome (PMDS). Also called: PERSISTENT MULLERIAN DUCT SYNDROME, TYPES I AND II; FEMALE GENITAL DUCTS IN OTHERWISE NORMAL MALE; HERNIA UTERI INGUINALE; PERSISTENT OVIDUCT SYNDROME; PSEUDOHERMAPHRODITISM, MALE INTERNAL. Identifiers: Orphanet 2856, MedGen C1849930, MONDO:0009857, OMIM 261550.

Allele frequency attached by ClinVar (database versions not stated): ESP Exome Variant Server 0.00041; 1000 Genomes Project 0.00060; 1000 Genomes Project 30x 0.00078; TOPMed 0.00122; ExAC 0.00131.
gnomAD v4.1: 3,141 of 1,535,074 alleles (0.2%); highest among the groups gnomAD compares: Non-Finnish European, 0.25%; 7 homozygotes.

Submissions (4):

PreventionGenetics, part of Exact Sciences
Classification: Likely benign for AMH-related condition. Last evaluated: 2025-10-03. Review status: criteria provided, single submitter. Criteria: ACMG Guidelines, 2015. Collection method: clinical testing. Allele origin: germline.
Comment: This variant is classified as likely benign based on ACMG/AMP sequence variant interpretation guidelines (Richards et al. 2015 PMID: 25741868, with internal and published modifications).

Labcorp Genetics (formerly Invitae), Labcorp
Classification: Likely benign. Last evaluated: 2025-08-26. Review status: criteria provided, single submitter. Criteria: Invitae Variant Classification Sherloc (09022015). Collection method: clinical testing. Allele origin: germline.

CeGaT Center for Human Genetics Tuebingen
Classification: Likely benign. Last evaluated: 2025-04-01. Review status: criteria provided, single submitter. Criteria: CeGaT Center For Human Genetics Tuebingen Variant Classification Criteria Version 2. Collection method: clinical testing. Allele origin: germline. Affected: yes. Observed: 3 variant alleles.
Comment: AMH: BS1:Supporting, BS3:Supporting

Revvity Omics, Revvity
Classification: Uncertain significance for Persistent Mullerian duct syndrome. Last evaluated: 2020-09-16. Review status: criteria provided, single submitter. Criteria: ACMG Guidelines, 2015. Collection method: clinical testing. Allele origin: germline.